The following is an entry in ClinVar:

NM_000143.4(FH):c.738+1G>T

Gene: FH (fumarate hydratase; minus strand). Cytogenetic location: 1q43.
Variant type: single nucleotide variant.
Coding change: c.738+1G>T on transcript NM_000143.4 (MANE Select); the canonical splice donor site of the intron after coding-DNA position 738, G replaced by T.
Molecular consequence: splice donor variant.
Genome position (GRCh38, 1-based): chr1:241,508,602, C>A on the plus strand (G>T on the coding strand, the complement: FH is on the minus strand). VCF-style: chr1-241508602-C-A. GRCh37 (hg19) VCF-style: chr1-241671902-C-A.
Other names: c.738+1G>T (NM_000143.3).
Identifiers: ClinVar variation 2117436 (VCV002117436.9), dbSNP rs1659988368, ClinGen allele CA345439138.

ClinVar aggregate classification (germline): Pathogenic/Likely pathogenic. Review status: criteria provided, multiple submitters, no conflicts (2 of 4 stars). 5 submissions from 5 submitters: Pathogenic (2); Likely pathogenic (3). Last evaluated 2026-07-15.

Conditions:
FH-related disorder. Also called: FH-related condition; FH-related disorders.
Hereditary cancer-predisposing syndrome. Also called: Neoplastic Syndromes, Hereditary; Tumor predisposition; Hereditary Cancer Syndrome; Hereditary neoplastic syndrome. Identifiers: Orphanet 140162, MedGen C0027672, MeSH D009386, MONDO:0015356.
Hereditary leiomyomatosis and renal cell cancer. Also called: Familial leiomyomatosis; FH tumor predisposition syndrome; Multiple cutaneous leiomyomas; MULTIPLE CUTANEOUS AND UTERINE LEIOMYOMATA 1, WITH OR WITHOUT RENAL CELL CARCINOMA; LEIOMYOMA, MULTIPLE CUTANEOUS; Reed syndrome. Identifiers: Orphanet 523, MedGen C1708350, MONDO:0007888, OMIM 150800, HP:0007437. Disease mechanism: loss of function.

Submissions (6):

Myriad Genetics, Inc.
Classification: Pathogenic for Hereditary leiomyomatosis and renal cell cancer. Last evaluated: 2026-07-15. Review status: criteria provided, single submitter. Criteria: Myriad Autosomal Dominant, Autosomal Recessive and X-Linked Classification Criteria (2023). Collection method: clinical testing. Allele origin: unknown.
Comment: This variant is considered pathogenic. This variant occurs within a consensus splice junction and is predicted to result in abnormal mRNA splicing of either an out-of-frame exon or an in-frame exon necessary for protein stability and/or normal function. mRNA analysis has demonstrated abnormal mRNA splicing occurs [PMID: 26173633]. This variant has been reported in multiple individuals with clinical features of gene-specific disease [PMID: 26173633, 28300276; Myriad internal data].

Quest Diagnostics Nichols Institute San Juan Capistrano
Classification: Likely pathogenic. Last evaluated: 2025-07-14. Review status: criteria provided, single submitter. Criteria: Quest Diagnostics criteria. Collection method: clinical testing. Allele origin: unknown.
Comment: The FH c.738+1G>T variant disrupts a canonical splice-donor site and is predicted to interfere with normal FH mRNA splicing. This variant has not been reported in individuals with FH-related conditions in the published literature. This variant has not been reported in large, multi-ethnic general populations (Genome Aggregation Database). Based on the available information, this variant is classified as likely pathogenic.

Ambry Genetics
Classification: Likely pathogenic for Hereditary cancer-predisposing syndrome. Last evaluated: 2024-12-11. Review status: criteria provided, single submitter. Criteria: Ambry Variant Classification Scheme 2023. Collection method: clinical testing. Allele origin: germline.
Comment: The c.738+1G>T intronic variant results from a G to T substitution one nucleotide after coding exon 5 of the FH gene. Alterations that disrupt the canonical splice site are expected to result in aberrant splicing. In silico splice site analysis predicts that this alteration will weaken the native splice donor site and may result in the creation or strengthening of a novel splice donor site. A resulting transcript is predicted to be in-frame and is not expected to trigger nonsense-mediated mRNAdecay; although, direct evidence is unavailable. However, the region predicted to be impacted is critical for protein function (Ambry internal data). This variant is considered to be rare based on population cohorts in the Genome Aggregation Database (gnomAD). This nucleotide position is highly conserved in available vertebrate species. Based on the majority of available evidence to date, this variant is likely to be pathogenic.

Labcorp Genetics (formerly Invitae), Labcorp
Classification: Pathogenic. Last evaluated: 2024-10-09. Review status: criteria provided, single submitter. Criteria: Invitae Variant Classification Sherloc (09022015). Collection method: clinical testing. Allele origin: germline.
Comment: This sequence change affects a donor splice site in intron 5 of the FH gene. It is expected to disrupt RNA splicing. Variants that disrupt the donor or acceptor splice site typically lead to a loss of protein function (PMID: 16199547), and loss-of-function variants in FH are known to be pathogenic (PMID: 11865300, 21398687). This variant is not present in population databases (gnomAD no frequency). Disruption of this splice site has been observed in individuals with multiple cutaneous leiomyomas and/or renal cell carcinoma (PMID: 26173633, 28300276; internal data). ClinVar contains an entry for this variant (Variation ID: 2117436). Algorithms developed to predict the effect of sequence changes on RNA splicing suggest that this variant may disrupt the consensus splice site. For these reasons, this variant has been classified as Pathogenic.

Blueprint Genetics
Classification: Likely pathogenic for FH-related disorders. Last evaluated: 2019-11-06. Review status: criteria provided, single submitter. Criteria: ACMG Guidelines, 2015. Collection method: clinical testing. Allele origin: germline. Affected: yes. Observed: 2 variant alleles.

Dr. Peter K. Rogan Lab, Western University
No classification provided (evidence only). Condition: Ovarian serous cystadenocarcinoma. Review status: no classification provided. Collection method: in vitro. Allele origin: not applicable. Functional consequence: retained intron. Not counted in ClinVar's aggregate classification.

Literature cited by the submitters: PubMed 26173633 (cited by Myriad Genetics, Inc. and Labcorp Genetics (formerly Invitae), Labcorp); PubMed 28300276 (cited by Myriad Genetics, Inc. and Labcorp Genetics (formerly Invitae), Labcorp); PubMed 16199547 (cited by Labcorp Genetics (formerly Invitae), Labcorp); PubMed 11865300 (cited by Labcorp Genetics (formerly Invitae), Labcorp); PubMed 21398687 (cited by Labcorp Genetics (formerly Invitae), Labcorp).